The following is an entry in ClinVar:

ClinVar aggregate classification (germline): Uncertain significance. Review status: criteria provided, multiple submitters, no conflicts (2 of 4 stars). 2 submissions from 2 submitters: Uncertain significance (2). Last evaluated 2021-04-18.

Conditions:
Developmental delay with variable intellectual impairment and behavioral abnormalities. Identifiers: MedGen C5193092, MONDO:0032745, OMIM 618430.

Allele frequency attached by ClinVar (database versions not stated): TOPMed below 0.00001; gnomAD 0.00001.
gnomAD v4.1: 1 of 1,613,824 alleles (0.000062%); highest among the groups gnomAD compares: African/African-American, 0.0013%; no homozygotes.

Submissions (2):

Baylor Genetics
Classification: Uncertain significance for Developmental delay with variable intellectual impairment and behavioral abnormalities. Last evaluated: 2021-04-18. Review status: criteria provided, single submitter. Criteria: ACMG Guidelines, 2015. Collection method: clinical testing. Allele origin: unknown.

Neuberg Centre For Genomic Medicine, NCGM
Classification: Uncertain significance for Developmental delay with variable intellectual impairment and behavioral abnormalities. Review status: criteria provided, single submitter. Criteria: ACMG Guidelines, 2015. Collection method: clinical testing. Allele origin: germline. Affected: yes.
Comment: The missense variant p.Q182H in TCF20 (NM_001378418.1) has not been reported previously as a pathogenic variant nor as a benign variant, to our knowledge. The p.Q182H variant is novel (not in any individuals) in gnomAD Exomes and is novel (not in any individuals) in 1000 Genomes. In silico tools predict the variant to be damaging and the residue is weakly conserved across species. For these reasons, this variant has been classified as Uncertain Significance.

NM_001378418.1(TCF20):c.546G>C (p.Gln182His)

Gene: TCF20 (transcription factor 20; minus strand). Cytogenetic location: 22q13.2.
Variant type: single nucleotide variant.
Coding change: c.546G>C on transcript NM_001378418.1 (MANE Select); coding-DNA position 546, G replaced by C.
Protein change: p.Gln182His; replaces glutamine 182 with histidine.
Molecular consequence: missense variant.
Genome position (GRCh38, 1-based): chr22:42,214,760, C>G on the plus strand (G>C on the coding strand, the complement: TCF20 is on the minus strand). VCF-style: chr22-42214760-C-G. GRCh37 (hg19) VCF-style: chr22-42610766-C-G.
Other names: c.546G>C, p.Gln182His (NM_005650.4, NM_181492.3); c.546G>C (NM_005650.3); short protein forms Q182H.
Identifiers: ClinVar variation 1339076 (VCV001339076.3), dbSNP rs1921520122, ClinGen allele CA411792761.